The following is an entry in ClinVar:

NM_000021.4(PSEN1):c.1248+8T>C

Gene: PSEN1 (presenilin 1; plus strand). Cytogenetic location: 14q24.2.
Variant type: single nucleotide variant.
Coding change: c.1248+8T>C on transcript NM_000021.4 (MANE Select); 8 bases into the intron after coding-DNA position 1248, T replaced by C.
Molecular consequence: intron variant.
Genome position (GRCh38, 1-based): chr14:73,217,252, T>C. VCF-style: chr14-73217252-T-C. GRCh37 (hg19) VCF-style: chr14-73683960-T-C.
Other names: p.?; c.1236+8T>C (NM_007318.3).
Identifiers: ClinVar variation 313949 (VCV000313949.21), dbSNP rs362382, ClinGen allele CA7256956.

ClinVar aggregate classification (germline): Benign/Likely benign. Review status: criteria provided, multiple submitters, no conflicts (2 of 4 stars). 9 submissions from 8 submitters: Benign (5); Likely benign (2). 2 of the submissions do not count toward it. Last evaluated 2026-01-15.

Conditions:
Alzheimer disease 3 (AD3). Also called: ALZHEIMER DISEASE, FAMILIAL, 3. Identifiers: Orphanet 1020, MedGen C1843013, MONDO:0011913, OMIM 607822.
Pick disease. Also called: PICK DISEASE OF BRAIN; DEMENTIA WITH LOBAR ATROPHY AND NEURONAL CYTOPLASMIC INCLUSIONS; LOBAR ATROPHY OF BRAIN; Pick's disease; Pick Disease of the Brain. Identifiers: Orphanet 282, MedGen C0236642, MONDO:0008243, OMIM 172700.
Acne inversa, familial, 3 (ACNINV3). Identifiers: MedGen C3151038, MONDO:0013398, OMIM 613737.
Frontotemporal dementia (FTD1). Also called: FRONTOTEMPORAL DEMENTIA WITH PARKINSONISM; FRONTOTEMPORAL LOBE DEMENTIA; MULTIPLE SYSTEM TAUOPATHY WITH PRESENILE DEMENTIA; WILHELMSEN-LYNCH DISEASE; Frontotemporal lobe dementia (FLDEM); FRONTOTEMPORAL LOBAR DEGENERATION WITH TAU INCLUSIONS. Identifiers: Orphanet 282, MedGen C0338451, MONDO:0017276, OMIM 600274, HP:0002145.
Dilated cardiomyopathy 1U. Identifiers: Orphanet 154, MedGen C3160720, MONDO:0013371, OMIM 613694.

Allele frequency attached by ClinVar (database versions not stated): gnomAD exomes 0.00154 and 0.00414; ExAC 0.00510; gnomAD 0.01512 and 0.01609; TOPMed 0.01708; ESP Exome Variant Server 0.01753; 1000 Genomes Project 0.02256; 1000 Genomes Project 30x 0.02374.
gnomAD v4.1: 4,668 of 1,613,986 alleles (0.29%); highest among the groups gnomAD compares: African/African-American, 5.3%; 121 homozygotes.

Submissions (9):

Labcorp Genetics (formerly Invitae), Labcorp
Classification: Benign for Alzheimer disease 3; Pick disease; Acne inversa, familial, 3; Frontotemporal dementia. Last evaluated: 2026-01-15. Review status: criteria provided, single submitter. Criteria: Invitae Variant Classification Sherloc (09022015). Collection method: clinical testing. Allele origin: germline.

Mayo Clinic Laboratories, Mayo Clinic
Classification: Benign. Last evaluated: 2025-03-20. Review status: criteria provided, single submitter. Criteria: ACMG Guidelines, 2015. Collection method: clinical testing. Allele origin: germline. Observed: 2 variant alleles.

ARUP Laboratories, Molecular Genetics and Genomics, ARUP Laboratories
Classification: Benign. Last evaluated: 2023-05-15. Review status: criteria provided, single submitter. Criteria: ARUP Molecular Germline Variant Investigation Process 2024. Collection method: clinical testing. Allele origin: germline.

GeneDx
Classification: Benign. Last evaluated: 2019-11-25. Review status: criteria provided, single submitter. Criteria: GeneDx Variant Classification Process June 2021. Collection method: clinical testing. Allele origin: germline. Affected: yes.

Illumina Laboratory Services, Illumina
Classification: Likely benign for Dilated cardiomyopathy 1U. Last evaluated: 2018-01-13. Review status: criteria provided, single submitter. Criteria: ICSL Variant Classification Criteria 13 December 2019. Collection method: clinical testing. Allele origin: germline.
Comment: This variant was observed in the ICSL laboratory as part of a predisposition screen in an ostensibly healthy population. It had not been previously curated by ICSL or reported in the Human Gene Mutation Database (HGMD: prior to June 1st, 2018), and was therefore a candidate for classification through an automated scoring system. Utilizing variant allele frequency, disease prevalence and penetrance estimates, and inheritance mode, an automated score was calculated to assess if this variant is too frequent to cause the disease. Based on the score and internal cut-off values, a variant classified as likely benign is not then subjected to further curation. The score for this variant resulted in a classification of likely benign for this disease.

Illumina Laboratory Services, Illumina
Classification: Benign for Alzheimer disease 3. Last evaluated: 2018-01-13. Review status: criteria provided, single submitter. Criteria: ICSL Variant Classification Criteria 13 December 2019. Collection method: clinical testing. Allele origin: germline.
Comment: This variant was observed in the ICSL laboratory as part of a predisposition screen in an ostensibly healthy population. It had not been previously curated by ICSL or reported in the Human Gene Mutation Database (HGMD: prior to June 1st, 2018), and was therefore a candidate for classification through an automated scoring system. Utilizing variant allele frequency, disease prevalence and penetrance estimates, and inheritance mode, an automated score was calculated to assess if this variant is too frequent to cause the disease. Based on the score and internal cut-off values, a variant classified as benign is not then subjected to further curation. The score for this variant resulted in a classification of benign for this disease.

Breakthrough Genomics
Classification: Likely benign. Review status: criteria provided, single submitter. Criteria: ACMG Guidelines, 2015. Collection method: not provided. Allele origin: germline. Inheritance: Autosomal dominant inheritance. Affected: yes.

Diagnostic Laboratory, Department of Genetics, University Medical Center Groningen
Classification: Likely benign. Review status: no assertion criteria provided. Collection method: clinical testing. Allele origin: germline. Affected: yes. Study: VKGL Data-share Consensus. Not counted in ClinVar's aggregate classification.

Genome Diagnostics Laboratory, Amsterdam University Medical Center
Classification: Likely benign. Review status: no assertion criteria provided. Collection method: clinical testing. Allele origin: germline. Affected: yes. Study: VKGL Data-share Consensus. Not counted in ClinVar's aggregate classification.